The following is an entry in ClinVar:

NM_005632.3(CAPN15):c.1762T>C (p.Cys588Arg)

Gene: CAPN15 (calpain 15; plus strand). Cytogenetic location: 16p13.3.
Variant type: single nucleotide variant.
Coding change: c.1762T>C on transcript NM_005632.3 (MANE Select); coding-DNA position 1762, T replaced by C.
Protein change: p.Cys588Arg; replaces cysteine 588 with arginine.
Molecular consequence: missense variant.
Genome position (GRCh38, 1-based): chr16:549,391, T>C. VCF-style: chr16-549391-T-C. GRCh37 (hg19) VCF-style: chr16-599391-T-C.
Other names: short protein forms C588R.
Identifiers: ClinVar variation 3781203 (VCV003781203.3).

ClinVar aggregate classification (germline): Uncertain significance. Review status: criteria provided, multiple submitters, no conflicts (2 of 4 stars). 2 submissions from 2 submitters: Uncertain significance (2). Last evaluated 2026-08-19.

Conditions:
CAPN15-related disorder. Also called: CAPN15-related condition.

gnomAD v4.1: 6 of 1,598,546 alleles (0.00038%); highest among the groups gnomAD compares: Non-Finnish European, 0.00051%; no homozygotes.

Submissions (2):

GeneDx
Classification: Uncertain significance. Last evaluated: 2026-08-19. Review status: criteria provided, single submitter. Criteria: GeneDx Variant Classification Process June 2021. Collection method: clinical testing. Allele origin: germline.
Comment: In silico analysis supports that this missense variant has a deleterious effect on protein structure/function; Has not been previously published as pathogenic or benign to our knowledge

PreventionGenetics, part of Exact Sciences
Classification: Uncertain significance for CAPN15-related condition. Last evaluated: 2026-02-11. Review status: criteria provided, single submitter. Criteria: ACMG Guidelines, 2015. Collection method: clinical testing. Allele origin: germline.
Comment: The CAPN15 c.1762T>C variant is predicted to result in the amino acid substitution p.Cys588Arg. To our knowledge, this variant has not been reported in the literature. This variant is reported in 0.013% of alleles in individuals of European (Non-Finnish) descent in gnomAD. At this time, the clinical significance of this variant is uncertain due to the absence of conclusive functional and genetic evidence.